The following is an entry in ClinVar:

ClinVar aggregate classification (germline): Uncertain significance (1 of 4 stars; one submission).

Conditions:
Inborn genetic diseases. Identifiers: MedGen C0950123, MeSH D030342.

Submission:

Ambry Genetics
Classification: Uncertain significance for Inborn genetic diseases. Last evaluated: 2025-07-12. Review status: criteria provided, single submitter. Criteria: Ambry Variant Classification Scheme 2023. Collection method: clinical testing. Allele origin: germline.
Comment: The p.F1275Y variant (also known as c.3824T>A), located in coding exon 1 of the SAMD9 gene, results from a T to A substitution at nucleotide position 3824. The phenylalanine at codon 1275 is replaced by tyrosine, an amino acid with highly similar properties. This amino acid position is conserved. In addition, this alteration is predicted to be tolerated by in silico analysis. Based on the available evidence, the clinical significance of this variant remains unclear.

NM_017654.4(SAMD9):c.3824T>A (p.Phe1275Tyr)

Gene: SAMD9 (sterile alpha motif domain containing 9; minus strand). Cytogenetic location: 7q21.2.
Variant type: single nucleotide variant.
Coding change: c.3824T>A on transcript NM_017654.4 (MANE Select); coding-DNA position 3824, T replaced by A.
Protein change: p.Phe1275Tyr; replaces phenylalanine 1275 with tyrosine.
Molecular consequence: missense variant.
Genome position (GRCh38, 1-based): chr7:93,102,274, A>T on the plus strand (T>A on the coding strand, the complement: SAMD9 is on the minus strand). VCF-style: chr7-93102274-A-T. GRCh37 (hg19) VCF-style: chr7-92731587-A-T.
Other names: c.3824T>A, p.Phe1275Tyr (NM_001193307.2); short protein forms F1275Y.
Identifiers: ClinVar variation 3792178 (VCV003792178.2).
Genomic context (GRCh38, chr7:93,102,274, plus strand): 5'-TTTCTCCGAGTTTTGGCCTCTTCATTTTGCTTAATATTGTTCCTGGGTTTTAGCAGGACA[A>T]AGTATTCATCAAAAAAATCAAAGGACTTTTTCAAAGAAAATTTCAATTTAGTTAAATAAG-3'
Protein context (NP_060124.2, residues 1265-1285): KKSFDFFDEY[Phe1275Tyr]VLLKPRNNIK